The following is an entry in ClinVar:

ClinVar aggregate classification (germline): Pathogenic/Likely pathogenic. Review status: criteria provided, multiple submitters, no conflicts (2 of 4 stars). 2 submissions from 2 submitters: Pathogenic (1); Likely pathogenic (1). Last evaluated 2025-03-17.

Conditions:
Autosomal recessive nonsyndromic hearing loss 12. Also called: DEAFNESS, AUTOSOMAL RECESSIVE 12. Identifiers: Orphanet 90636, MedGen C1832394, MONDO:0011067, OMIM 601386.
Usher syndrome type 1D (USH1D). Also called: USHER SYNDROME, TYPE ID. Identifiers: Orphanet 231169, Orphanet 886, MedGen C1832845, MONDO:0010984, OMIM 601067.
Pituitary adenoma 5, multiple types. Identifiers: MedGen C4539685, MONDO:0054601, OMIM 617540.

Submissions (2):

Labcorp Genetics (formerly Invitae), Labcorp
Classification: Pathogenic. Last evaluated: 2025-03-17. Review status: criteria provided, single submitter. Criteria: Invitae Variant Classification Sherloc (09022015). Collection method: clinical testing. Allele origin: germline.
Comment: This sequence change affects an acceptor splice site in intron 32 of the CDH23 gene. It is expected to disrupt RNA splicing. Variants that disrupt the donor or acceptor splice site typically lead to a loss of protein function (PMID: 16199547), and loss-of-function variants in CDH23 are known to be pathogenic (PMID: 11138009, 21940737). This variant is present in population databases (no rsID available, gnomAD 0.002%). Disruption of this splice site has been observed in individuals with Usher syndrome (PMID: 23591405; internal data). This variant is also known as c.[4105-2A>T, 4105-4G>T]. ClinVar contains an entry for this variant (Variation ID: 813029). Algorithms developed to predict the effect of sequence changes on RNA splicing suggest that this variant may disrupt the consensus splice site. For these reasons, this variant has been classified as Pathogenic.

Fulgent Genetics
Classification: Likely pathogenic for Usher syndrome type 1D; Autosomal recessive nonsyndromic hearing loss 12; Pituitary adenoma 5, multiple types. Last evaluated: 2022-02-04. Review status: criteria provided, single submitter. Criteria: ACMG Guidelines, 2015. Collection method: clinical testing. Allele origin: unknown.

Literature cited by the submitters: PubMed 16199547 (cited by Labcorp Genetics (formerly Invitae), Labcorp); PubMed 11138009 (cited by Labcorp Genetics (formerly Invitae), Labcorp); PubMed 21940737 (cited by Labcorp Genetics (formerly Invitae), Labcorp); PubMed 23591405 (cited by Labcorp Genetics (formerly Invitae), Labcorp).

NM_022124.6(CDH23):c.4105-4_4105-2delinsTCT

Genes: C10orf105 (chromosome 10 open reading frame 105; minus strand), CDH23 (cadherin related 23; plus strand). Cytogenetic location: 10q22.1.
Variant type: Indel.
Coding change: c.4105-4_4105-2delinsTCT on transcript NM_022124.6 (MANE Select); 4 bases into the intron before coding-DNA position 4105 through the canonical splice acceptor site of the intron before coding-DNA position 4105, GCA replaced by TCT.
Molecular consequence: splice acceptor variant. On other transcripts: intron variant (1).
Genome position (GRCh38, 1-based): chr10:71,734,236-71,734,238, GCA replaced by TCT. VCF-style: chr10-71734236-GCA-TCT. GRCh37 (hg19) VCF-style: chr10-73493993-GCA-TCT.
Other names: c.-6+3490_-6+3492delinsAGA (NM_001168390.2).
Identifiers: ClinVar variation 644005 (VCV000644005.9), dbSNP rs1589384283, ClinGen allele CA915945969.